The following is an entry in ClinVar:

ClinVar aggregate classification (germline): Uncertain significance. Review status: criteria provided, multiple submitters, no conflicts (2 of 4 stars). 2 submissions from 2 submitters: Uncertain significance (2). Last evaluated 2025-09-14.

Conditions:
Hereditary cancer-predisposing syndrome. Also called: Hereditary Cancer Syndrome; Tumor predisposition; Hereditary neoplastic syndrome; Neoplastic Syndromes, Hereditary. Identifiers: Orphanet 140162, MedGen C0027672, MeSH D009386, MONDO:0015356.

gnomAD v4.1: 2 of 1,614,042 alleles (0.00012%); highest among the groups gnomAD compares: East Asian, 0.0022%; no homozygotes.

Submissions (2):

Labcorp Genetics (formerly Invitae), Labcorp
Classification: Uncertain significance. Last evaluated: 2025-09-14. Review status: criteria provided, single submitter. Criteria: Invitae Variant Classification Sherloc (09022015). Collection method: clinical testing. Allele origin: germline.
Comment: This sequence change replaces serine, which is neutral and polar, with proline, which is neutral and non-polar, at codon 598 of the MSH3 protein (p.Ser598Pro). This variant is present in population databases (rs751983772, gnomAD 0.006%). This variant has not been reported in the literature in individuals affected with MSH3-related conditions. ClinVar contains an entry for this variant (Variation ID: 3398689). An algorithm developed to predict the effect of missense changes on protein structure and function (PolyPhen-2) suggests that this variant is likely to be disruptive. In summary, the available evidence is currently insufficient to determine the role of this variant in disease. Therefore, it has been classified as a Variant of Uncertain Significance.

Ambry Genetics
Classification: Uncertain significance for Hereditary cancer-predisposing syndrome. Last evaluated: 2024-06-30. Review status: criteria provided, single submitter. Criteria: Ambry Variant Classification Scheme 2023. Collection method: clinical testing. Allele origin: germline.
Comment: The p.S598P variant (also known as c.1792T>C), located in coding exon 13 of the MSH3 gene, results from a T to C substitution at nucleotide position 1792. The serine at codon 598 is replaced by proline, an amino acid with similar properties. This amino acid position is conserved. In addition, this alteration is predicted to be deleterious by in silico analysis. Based on the available evidence, the clinical significance of this variant remains unclear.

NM_002439.5(MSH3):c.1792T>C (p.Ser598Pro)

Gene: MSH3 (mutS homolog 3; plus strand). Cytogenetic location: 5q14.1.
Variant type: single nucleotide variant.
Coding change: c.1792T>C on transcript NM_002439.5 (MANE Select); coding-DNA position 1792, T replaced by C.
Protein change: p.Ser598Pro; replaces serine 598 with proline.
Molecular consequence: missense variant.
Genome position (GRCh38, 1-based): chr5:80,761,574, T>C. VCF-style: chr5-80761574-T-C. GRCh37 (hg19) VCF-style: chr5-80057393-T-C.
Other names: short protein forms S598P.
Identifiers: ClinVar variation 3398689 (VCV003398689.2).